The following is an entry in ClinVar:

NM_016247.4(IMPG2):c.3193G>A (p.Gly1065Arg)

Gene: IMPG2 (interphotoreceptor matrix proteoglycan 2; minus strand). Cytogenetic location: 3q12.3.
Variant type: single nucleotide variant.
Coding change: c.3193G>A on transcript NM_016247.4 (MANE Select); coding-DNA position 3193, G replaced by A.
Protein change: p.Gly1065Arg; replaces glycine 1065 with arginine.
Molecular consequence: missense variant.
Genome position (GRCh38, 1-based): chr3:101,232,821, C>T on the plus strand (G>A on the coding strand, the complement: IMPG2 is on the minus strand). VCF-style: chr3-101232821-C-T. GRCh37 (hg19) VCF-style: chr3-100951665-C-T.
Other names: short protein forms G1065R.
Identifiers: ClinVar variation 956999 (VCV000956999.8), dbSNP rs1488107127, ClinGen allele CA353849755.

ClinVar aggregate classification (germline): Conflicting classifications of pathogenicity. Review status: criteria provided, conflicting classifications (1 of 4 stars). 2 submissions from 2 submitters: Pathogenic (1); Uncertain significance (1). Last evaluated 2025-05-22.

Conditions:
IMPG2-related disorders.

Allele frequency attached by ClinVar (database versions not stated): gnomAD exomes below 0.00001 and 0.00004; gnomAD 0.00001; TOPMed 0.00002.
gnomAD v4.1: 59 of 1,613,418 alleles (0.0037%); highest among the groups gnomAD compares: Non-Finnish European, 0.0049%; no homozygotes.

Submissions (2):

Labcorp Genetics (formerly Invitae), Labcorp
Classification: Uncertain significance. Last evaluated: 2025-05-22. Review status: criteria provided, single submitter. Criteria: Invitae Variant Classification Sherloc (09022015). Collection method: clinical testing. Allele origin: germline.
Comment: This sequence change replaces glycine, which is neutral and non-polar, with arginine, which is basic and polar, at codon 1065 of the IMPG2 protein (p.Gly1065Arg). This variant is present in population databases (no rsID available, gnomAD 0.0009%). This missense change has been observed in individual(s) with clinical features of retinitis pigmentosa (internal data). ClinVar contains an entry for this variant (Variation ID: 956999). Invitae Evidence Modeling of protein sequence and biophysical properties (such as structural, functional, and spatial information, amino acid conservation, physicochemical variation, residue mobility, and thermodynamic stability) indicates that this missense variant is expected to disrupt IMPG2 protein function with a positive predictive value of 80%. In summary, the available evidence is currently insufficient to determine the role of this variant in disease. Therefore, it has been classified as a Variant of Uncertain Significance.

Blueprint Genetics
Classification: Pathogenic for IMPG2-related disorders. Last evaluated: 2023-01-25. Review status: criteria provided, single submitter. Criteria: ACMG Guidelines, 2015. Collection method: clinical testing. Allele origin: germline. Affected: yes. Observed: 5 variant alleles.